The following is an entry in ClinVar:

ClinVar aggregate classification (germline): Uncertain significance (1 of 4 stars; one submission).

Submission:

CeGaT Center for Human Genetics Tuebingen
Classification: Uncertain significance. Last evaluated: 2023-04-01. Review status: criteria provided, single submitter. Criteria: CeGaT Center For Human Genetics Tuebingen Variant Classification Criteria Version 2. Collection method: clinical testing. Allele origin: germline. Affected: yes. Observed: 2 variant alleles.
Comment: UBE3A: PM2, PP2, PP3

NM_130839.5(UBE3A):c.1458G>T (p.Lys486Asn)

Genes: SNHG14 (small nucleolar RNA host gene 14; plus strand), UBE3A (ubiquitin protein ligase E3A; minus strand). Cytogenetic location: 15q11.2.
Variant type: single nucleotide variant.
Coding change: c.1458G>T on transcript NM_130839.5 (MANE Select); coding-DNA position 1458, G replaced by T.
Protein change: p.Lys486Asn; replaces lysine 486 with asparagine.
Molecular consequence: missense variant. On other transcripts: non-coding transcript variant (1), intron variant (2).
Genome position (GRCh38, 1-based): chr15:25,370,716, C>A on the plus strand (G>T on the coding strand, the complement: UBE3A is on the minus strand). VCF-style: chr15-25370716-C-A. GRCh37 (hg19) VCF-style: chr15-25615863-C-A.
Other names: c.1467G>T, p.Lys489Asn (NM_000462.5); c.1458G>T, p.Lys486Asn (NM_001354505.1, NM_001354538.2, NM_001354545.2); c.1398G>T, p.Lys466Asn (NM_001354506.2, NM_001354507.2, NM_001354508.2 and 17 more transcripts); c.1281G>T, p.Lys427Asn (NM_001354546.2); c.301+4749G>T (NM_001354551.2); c.361+4749G>T (NM_001354550.2); short protein forms K427N, K466N, K486N, K489N.
Identifiers: ClinVar variation 2498603 (VCV002498603.28), dbSNP rs2552191482, ClinGen allele CA391353551.
Genomic context (GRCh38, chr15:25,370,716, plus strand): 5'-AACAGTGATTCTTCGTTCACTGTACATGCGAATTCTATTGTCATAATATAATCCCAAATT[C>A]TTTGTGACAGCATTCAATATAAAGGGACATGTCATAAAAGAGAATTTGTTCTCTGTTTCT-3'
Protein context (NP_570854.1, residues 476-496): TCPFILNAVT[Lys486Asn]NLGLYYDNRI